The following is an entry in ClinVar:

ClinVar aggregate classification (germline): Uncertain significance (1 of 4 stars; one submission).

Conditions:
Dilated cardiomyopathy 1DD (CMD1DD). Identifiers: Orphanet 154, MedGen C2750995, MONDO:0013168, OMIM 613172.

Submission:

Labcorp Genetics (formerly Invitae), Labcorp
Classification: Uncertain significance for Dilated cardiomyopathy 1DD. Last evaluated: 2023-01-26. Review status: criteria provided, single submitter. Criteria: Invitae Variant Classification Sherloc (09022015). Collection method: clinical testing. Allele origin: germline.
Comment: In summary, the available evidence is currently insufficient to determine the role of this variant in disease. Therefore, it has been classified as a Variant of Uncertain Significance. Advanced modeling of protein sequence and biophysical properties (such as structural, functional, and spatial information, amino acid conservation, physicochemical variation, residue mobility, and thermodynamic stability) has been performed at Invitae for this missense variant, however the output from this modeling did not meet the statistical confidence thresholds required to predict the impact of this variant on RBM20 protein function. This variant has not been reported in the literature in individuals affected with RBM20-related conditions. This variant is not present in population databases (gnomAD no frequency). This sequence change replaces alanine, which is neutral and non-polar, with valine, which is neutral and non-polar, at codon 87 of the RBM20 protein (p.Ala87Val).

NM_001134363.3(RBM20):c.260C>T (p.Ala87Val)

Gene: RBM20 (RNA binding motif protein 20; plus strand). Cytogenetic location: 10q25.2.
Variant type: single nucleotide variant.
Coding change: c.260C>T on transcript NM_001134363.3 (MANE Select); coding-DNA position 260, C replaced by T.
Protein change: p.Ala87Val; replaces alanine 87 with valine.
Molecular consequence: missense variant.
Genome position (GRCh38, 1-based): chr10:110,780,869, C>T. VCF-style: chr10-110780869-C-T. GRCh37 (hg19) VCF-style: chr10-112540627-C-T.
Other names: short protein forms A87V.
Identifiers: ClinVar variation 2832028 (VCV002832028.3), dbSNP rs2135040876, ClinGen allele CA378379251.